The following is an entry in ClinVar:

ClinVar aggregate classification (germline): Uncertain significance (1 of 4 stars; one submission).

Conditions:
Spastic ataxia 2. Also called: Ataxia, spastic, 2, autosomal recessive. Identifiers: Orphanet 397946, MedGen C1969796, MONDO:0012651, OMIM 611302.

Allele frequency attached by ClinVar (database versions not stated): ExAC below 0.00001; gnomAD exomes 0.00002; TOPMed 0.00002.
gnomAD v4.1: 6 of 1,583,052 alleles (0.00038%); highest among the groups gnomAD compares: Admixed American, 0.0072%; no homozygotes.

Submission:

Labcorp Genetics (formerly Invitae), Labcorp
Classification: Uncertain significance for Spastic ataxia 2. Last evaluated: 2024-11-04. Review status: criteria provided, single submitter. Criteria: Invitae Variant Classification Sherloc (09022015). Collection method: clinical testing. Allele origin: germline.
Comment: This sequence change replaces aspartic acid, which is acidic and polar, with asparagine, which is neutral and polar, at codon 790 of the KIF1C protein (p.Asp790Asn). This variant is present in population databases (rs764241869, gnomAD 0.01%). This variant has not been reported in the literature in individuals affected with KIF1C-related conditions. ClinVar contains an entry for this variant (Variation ID: 1039126). An algorithm developed to predict the effect of missense changes on protein structure and function (PolyPhen-2) suggests that this variant is likely to be tolerated. In summary, the available evidence is currently insufficient to determine the role of this variant in disease. Therefore, it has been classified as a Variant of Uncertain Significance.

NM_006612.6(KIF1C):c.2368G>A (p.Asp790Asn)

Gene: KIF1C (kinesin family member 1C; plus strand). Cytogenetic location: 17p13.2.
Variant type: single nucleotide variant.
Coding change: c.2368G>A on transcript NM_006612.6 (MANE Select); coding-DNA position 2368, G replaced by A.
Protein change: p.Asp790Asn; replaces aspartic acid 790 with asparagine.
Molecular consequence: missense variant.
Genome position (GRCh38, 1-based): chr17:5,022,449, G>A. VCF-style: chr17-5022449-G-A. GRCh37 (hg19) VCF-style: chr17-4925744-G-A.
Other names: short protein forms D790N.
Identifiers: ClinVar variation 1039126 (VCV001039126.8), dbSNP rs764241869, ClinGen allele CA8319279.